The following is an entry in ClinVar:

ClinVar aggregate classification (germline): Pathogenic. Review status: criteria provided, single submitter (1 of 4 stars). 2 submissions from 2 submitters: Pathogenic (1). 1 of the submissions does not count toward it. Last evaluated 2023-05-23.

Conditions:
Brachydactyly type A1. Also called: FARABEE-TYPE BRACHYDACTYLY; SHORT STATURE WITH NONSPECIFIC SKELETAL ABNORMALITIES 2. Identifiers: Orphanet 93388, MedGen C1862151, MONDO:0007215, OMIM 112500, HP:0009371.

Submissions (2):

Labcorp Genetics (formerly Invitae), Labcorp
Classification: Pathogenic. Last evaluated: 2023-05-23. Review status: criteria provided, single submitter. Criteria: Invitae Variant Classification Sherloc (09022015). Collection method: clinical testing. Allele origin: germline.
Comment: This sequence change replaces glutamic acid, which is acidic and polar, with lysine, which is basic and polar, at codon 58 of the IHH protein (p.Glu58Lys). For these reasons, this variant has been classified as Pathogenic. Advanced modeling of protein sequence and biophysical properties (such as structural, functional, and spatial information, amino acid conservation, physicochemical variation, residue mobility, and thermodynamic stability) performed at Invitae indicates that this missense variant is expected to disrupt IHH protein function. ClinVar contains an entry for this variant (Variation ID: 2151961). This missense change has been observed in individual(s) with short stature and clinical features of brachydactyly (PMID: 29155992). It has also been observed to segregate with disease in related individuals. This variant is not present in population databases (gnomAD no frequency).

OMIM
Classification: Pathogenic for BRACHYDACTYLY, TYPE A1. Last evaluated: 2024-09-26. Review status: no assertion criteria provided. Collection method: literature only. Allele origin: germline. Not counted in ClinVar's aggregate classification.

Literature cited by the submitters: PubMed 29155992 (cited by Labcorp Genetics (formerly Invitae), Labcorp and OMIM).

NM_002181.4(IHH):c.172G>A (p.Glu58Lys)

Gene: IHH (Indian hedgehog signaling molecule; minus strand). Cytogenetic location: 2q35.
Variant type: single nucleotide variant.
Coding change: c.172G>A on transcript NM_002181.4 (MANE Select); coding-DNA position 172, G replaced by A.
Protein change: p.Glu58Lys; replaces glutamic acid 58 with lysine.
Molecular consequence: missense variant.
Genome position (GRCh38, 1-based): chr2:219,060,296, C>T on the plus strand (G>A on the coding strand, the complement: IHH is on the minus strand). VCF-style: chr2-219060296-C-T. GRCh37 (hg19) VCF-style: chr2-219925018-C-T.
Other names: short protein forms E58K.
Identifiers: ClinVar variation 2151961 (VCV002151961.5), dbSNP rs2106310580, ClinGen allele CA350637143.